The following is an entry in ClinVar:

ClinVar aggregate classification (germline): Likely pathogenic (1 of 4 stars; one submission).

Submission:

Labcorp Genetics (formerly Invitae), Labcorp
Classification: Likely pathogenic. Last evaluated: 2021-12-31. Review status: criteria provided, single submitter. Criteria: Invitae Variant Classification Sherloc (09022015). Collection method: clinical testing. Allele origin: germline.
Comment: In summary, the currently available evidence indicates that the variant is pathogenic, but additional data are needed to prove that conclusively. Therefore, this variant has been classified as Likely Pathogenic. This variant disrupts a region of the ACAD9 protein in which other variant(s) (p.Glu564Lys) have been observed in individuals with ACAD9-related conditions (PMID: 30025539). This suggests that this is a clinically significant region of the protein, and that variants that disrupt it are likely to be disease-causing. This variant has not been reported in the literature in individuals affected with ACAD9-related conditions. This variant is not present in population databases (gnomAD no frequency). This variant results in the deletion of part of exon 16 (c.1671_1693-79delinsCTGAT) of the ACAD9 gene. It is expected to disrupt RNA splicing. Variants that disrupt the donor or acceptor splice site typically lead to a loss of protein function (PMID: 16199547), and loss-of-function variants in ACAD9 are known to be pathogenic (PMID: 25721401).

Literature cited by the submitters: PubMed 30025539; PubMed 16199547; PubMed 25721401.

NM_014049.5(ACAD9):c.1671_1693-79delinsCTGAT

Genes: ACAD9 (acyl-CoA dehydrogenase family member 9; plus strand), CFAP92 (cilia and flagella associated protein 92 (putative); minus strand). Cytogenetic location: 3q21.3.
Variant type: Indel.
Coding change: c.1671_1693-79delinsCTGAT on transcript NM_014049.5 (MANE Select); coding-DNA position 1671 through 79 bases into the intron before coding-DNA position 1693, the reference bases replaced by CTGAT.
Molecular consequence: splice donor variant. On other transcripts: splice acceptor variant (3).
Genome position (GRCh38, 1-based): chr3:128,910,128-128,910,662, 535 bases replaced. GRCh37 (hg19): chr3:128,628,971-128,629,505.
Other names: c.1302_1324-79delinsCTGAT (NM_001410805.1); c.2312-329_*171delinsATCAG (NM_001348521.2); c.2408-329_*171delinsATCAG (NM_001348520.2); c.3281-329_*171delinsATCAG (NM_001394090.1).
Identifiers: ClinVar variation 2067700 (VCV002067700.4), dbSNP rs2529283676, ClinGen allele CA2580068745.